The following is an entry in ClinVar:

NM_000275.3(OCA2):c.440dup (p.Ser148fs)

Gene: OCA2 (OCA2 melanosomal transmembrane protein; minus strand). Cytogenetic location: 15q13.1.
Variant type: Duplication.
Coding change: c.440dup on transcript NM_000275.3 (MANE Select); coding-DNA position 440, one base duplicated (T; older notation c.440dupT).
Protein change: p.Ser148fs; shifts the reading frame from serine 148.
Molecular consequence: frameshift variant.
Genome position (GRCh38, 1-based): chr15:28,027,946, A duplicated on the plus strand (T on the coding strand, the reverse complement: OCA2 is on the minus strand). VCF-style (leftmost placement, unchanged base first): chr15-28027945-C-CA. GRCh37 (hg19) VCF-style: chr15-28273091-C-CA.
Other names: c.440dupT (NM_000275.3); c.440dup, p.Ser148fs (NM_001300984.2); short protein forms S148fs.
Identifiers: ClinVar variation 373071 (VCV000373071.11), dbSNP rs1057518192, ClinGen allele CA16042969.

ClinVar aggregate classification (germline): Pathogenic/Likely pathogenic. Review status: criteria provided, multiple submitters, no conflicts (2 of 4 stars). 6 submissions from 6 submitters: Pathogenic (4); Likely pathogenic (2). Last evaluated 2026-04-20.

Conditions:
Oculocutaneous albinism. Identifiers: Orphanet 55, MedGen C0078918, MONDO:0018910.
SKIN/HAIR/EYE PIGMENTATION 1, BLUE/NONBLUE EYES (SHEP1). Also called: BROWN EYE COLOR 2; EYE COLOR 3; EYE COLOR, BLUE/NONBLUE; EYE COLOR, BROWN/BLUE; HAIR COLOR 3; SKIN/HAIR/EYE PIGMENTATION 1, BLOND/BROWN HAIR. Identifiers: MedGen C1856895, OMIM 227220.
Tyrosinase-positive oculocutaneous albinism (OCA2). Also called: ALBINISM II; Albinism, oculocutaneous, type II; Oculocutaneous albinism type 2. Identifiers: Orphanet 79432, MedGen C0268495, MONDO:0008746, OMIM 203200.
OCA2-related disorder. Also called: OCA2-related condition.

Allele frequency attached by ClinVar (database versions not stated): gnomAD exomes below 0.00001; gnomAD 0.00002; TOPMed 0.00005; ESP Exome Variant Server 0.00016.

Submissions (6):

Myriad Genetics, Inc.
Classification: Pathogenic for Tyrosinase-positive oculocutaneous albinism. Last evaluated: 2026-04-20. Review status: criteria provided, single submitter. Criteria: Myriad Autosomal Dominant, Autosomal Recessive and X-Linked Classification Criteria (2023). Collection method: clinical testing. Allele origin: unknown.
Comment: NM_000275.2(OCA2):c.440dupT(S148Vfs*73) is a frameshift variant classified as pathogenic in the context of oculocutaneous albinism, OCA2-related. S148Vfs*73 has not been observed in cases with relevant disease. Relevant functional assessments of this variant are not available in the literature. S148Vfs*73 has been observed in referenced population frequency databases. In summary, NM_000275.2(OCA2):c.440dupT(S148Vfs*73) is a frameshift variant in a gene where loss of function is a known mechanism of disease and is predicted to disrupt protein function. Please note: this variant was assessed in the context of healthy population screening.

Women's Health and Genetics/Laboratory Corporation of America, LabCorp
Classification: Pathogenic for Oculocutaneous albinism. Last evaluated: 2024-08-08. Review status: criteria provided, single submitter. Criteria: LabCorp Variant Classification Summary - May 2015. Collection method: clinical testing. Allele origin: germline.
Comment: Variant summary: OCA2 c.440dupT (p.Ser148ValfsX73) results in a premature termination codon, predicted to cause a truncation of the encoded protein or absence of the protein due to nonsense mediated decay, which are commonly known mechanisms for disease. The variant was absent in 251484 control chromosomes. To our knowledge, no occurrence of c.440dupT in individuals affected with Oculocutaneous Albinism and no experimental evidence demonstrating its impact on protein function have been reported. ClinVar contains an entry for this variant (Variation ID: 373071). Based on the evidence outlined above, the variant was classified as pathogenic.

Labcorp Genetics (formerly Invitae), Labcorp
Classification: Pathogenic. Last evaluated: 2024-02-02. Review status: criteria provided, single submitter. Criteria: Invitae Variant Classification Sherloc (09022015). Collection method: clinical testing. Allele origin: germline.
Comment: This sequence change creates a premature translational stop signal (p.Ser148Valfs*73) in the OCA2 gene. It is expected to result in an absent or disrupted protein product. Loss-of-function variants in OCA2 are known to be pathogenic (PMID: 19865097, 21541274). This variant is present in population databases (no rsID available, gnomAD 0.01%). This variant has not been reported in the literature in individuals affected with OCA2-related conditions. ClinVar contains an entry for this variant (Variation ID: 373071). For these reasons, this variant has been classified as Pathogenic.

Baylor Genetics
Classification: Likely pathogenic for SKIN/HAIR/EYE PIGMENTATION 1, BLUE/NONBLUE EYES. Last evaluated: 2023-11-06. Review status: criteria provided, single submitter. Criteria: ACMG Guidelines, 2015. Collection method: clinical testing. Allele origin: unknown.

Blueprint Genetics
Classification: Likely pathogenic for OCA2-related disorders. Last evaluated: 2022-11-09. Review status: criteria provided, single submitter. Criteria: ACMG Guidelines, 2015. Collection method: clinical testing. Allele origin: germline. Affected: yes. Observed: 1 variant allele.

GeneDx
Classification: Pathogenic. Last evaluated: 2016-11-07. Review status: criteria provided, single submitter. Criteria: GeneDx Variant Classification (06012015). Collection method: clinical testing. Allele origin: germline. Affected: yes.
Comment: The c.440dupT variant in the OCA2 gene has not been reported previously as a pathogenic variantnor as a benign variant, to our knowledge. The c.440dupT variant causes a frameshift starting withcodon Serine 148, changes this amino acid to a Valine residue, and creates a premature Stop codon atposition 73 of the new reading frame, denoted p.Ser148ValfsX73. This variant is predicted to causeloss of normal protein function either through protein truncation or nonsense-mediated mRNA decay.The c.440dupT variant was not observed at a significant frequency in approximately 6500 individualsof European and African American ancestry in the NHLBI Exome Sequencing Project, indicating it isnot a common benign variant in these populations. We interpret c.440dupT as a pathogenic variant.

Literature cited by the submitters: PubMed 19865097 (cited by Labcorp Genetics (formerly Invitae), Labcorp); PubMed 21541274 (cited by Labcorp Genetics (formerly Invitae), Labcorp).